The following is an entry in ClinVar:

ClinVar aggregate classification (germline): Uncertain significance. Review status: criteria provided, multiple submitters, no conflicts (2 of 4 stars). 2 submissions from 2 submitters: Uncertain significance (2). Last evaluated 2025-06-08.

Conditions:
Inborn genetic diseases. Identifiers: MedGen C0950123, MeSH D030342.
Norman-Roberts syndrome (LIS2). Also called: Lissencephaly 2 (Norman-Roberts type). Identifiers: Orphanet 89844, MedGen C0796089, MONDO:0009760, OMIM 257320.
Familial temporal lobe epilepsy 7. Identifiers: Orphanet 101046, MedGen C4225327, MONDO:0014639, OMIM 616436.

Allele frequency attached by ClinVar (database versions not stated): gnomAD 0.00001; gnomAD exomes 0.00001; TOPMed 0.00001; ExAC 0.00002.
gnomAD v4.1: 11 of 1,613,018 alleles (0.00068%); highest among the groups gnomAD compares: Admixed American, 0.0033%; no homozygotes.

Submissions (2):

Ambry Genetics
Classification: Uncertain significance for Inborn genetic diseases. Last evaluated: 2025-06-08. Review status: criteria provided, single submitter. Criteria: Ambry Variant Classification Scheme 2023. Collection method: clinical testing. Allele origin: germline.

Labcorp Genetics (formerly Invitae), Labcorp
Classification: Uncertain significance for Familial temporal lobe epilepsy 7; Norman-Roberts syndrome. Last evaluated: 2023-12-07. Review status: criteria provided, single submitter. Criteria: Invitae Variant Classification Sherloc (09022015). Collection method: clinical testing. Allele origin: germline.
Comment: This sequence change replaces alanine, which is neutral and non-polar, with valine, which is neutral and non-polar, at codon 2742 of the RELN protein (p.Ala2742Val). This variant is present in population databases (rs768151995, gnomAD 0.004%). This variant has not been reported in the literature in individuals affected with RELN-related conditions. Advanced modeling of protein sequence and biophysical properties (such as structural, functional, and spatial information, amino acid conservation, physicochemical variation, residue mobility, and thermodynamic stability) performed at Invitae indicates that this missense variant is not expected to disrupt RELN protein function with a negative predictive value of 80%. In summary, the available evidence is currently insufficient to determine the role of this variant in disease. Therefore, it has been classified as a Variant of Uncertain Significance.

NM_005045.4(RELN):c.8225C>T (p.Ala2742Val)

Genes: RELN (reelin; minus strand), SLC26A5-AS1 (SLC26A5 antisense RNA 1; plus strand). Cytogenetic location: 7q22.1.
Variant type: single nucleotide variant.
Coding change: c.8225C>T on transcript NM_005045.4 (MANE Select); coding-DNA position 8225, C replaced by T.
Protein change: p.Ala2742Val; replaces alanine 2742 with valine.
Molecular consequence: missense variant.
Genome position (GRCh38, 1-based): chr7:103,510,900, G>A on the plus strand (C>T on the coding strand, the complement: RELN is on the minus strand). VCF-style: chr7-103510900-G-A. GRCh37 (hg19) VCF-style: chr7-103151347-G-A.
Other names: c.8225C>T (NM_005045.3); c.8225C>T, p.Ala2742Val (NM_173054.3); short protein forms A2742V.
Identifiers: ClinVar variation 2927321 (VCV002927321.4), dbSNP rs768151995, ClinGen allele CA4420528.